The following is an entry in ClinVar:

NM_000090.4(COL3A1):c.940C>G (p.Pro314Ala)

Gene: COL3A1 (collagen type III alpha 1 chain; plus strand). Cytogenetic location: 2q32.2.
Variant type: single nucleotide variant.
Coding change: c.940C>G on transcript NM_000090.4 (MANE Select); coding-DNA position 940, C replaced by G.
Protein change: p.Pro314Ala; replaces proline 314 with alanine.
Molecular consequence: missense variant.
Genome position (GRCh38, 1-based): chr2:188,991,711, C>G. VCF-style: chr2-188991711-C-G. GRCh37 (hg19) VCF-style: chr2-189856437-C-G.
Other names: short protein forms P314A.
Identifiers: ClinVar variation 3073691 (VCV003073691.3), dbSNP rs1487765753, ClinGen allele CA349850042.

ClinVar aggregate classification (germline): Uncertain significance. Review status: criteria provided, multiple submitters, no conflicts (2 of 4 stars). 2 submissions from 2 submitters: Uncertain significance (2). Last evaluated 2024-08-30.

Conditions:
Ehlers-Danlos syndrome, type 4 (EDSVASC). Also called: Ehlers-Danlos Syndrome Type IV; Ehlers-Danlos syndrome vascular type; Ehlers Danlos syndrome, ecchymotic type; Ehlers Danlos syndrome, arterial type; Ehlers Danlos syndrome, Sack-Barabas type. Identifiers: Orphanet 286, MedGen C0268338, MONDO:0017314, OMIM 130050.

Allele frequency attached by ClinVar (database versions not stated): TOPMed below 0.00001.
gnomAD v4.1: 2 of 1,613,846 alleles (0.00012%); no homozygotes.

Submissions (2):

Labcorp Genetics (formerly Invitae), Labcorp
Classification: Uncertain significance for Ehlers-Danlos syndrome, type 4. Last evaluated: 2024-08-30. Review status: criteria provided, single submitter. Criteria: Invitae Variant Classification Sherloc (09022015). Collection method: clinical testing. Allele origin: germline.
Comment: This sequence change replaces proline, which is neutral and non-polar, with alanine, which is neutral and non-polar, at codon 314 of the COL3A1 protein (p.Pro314Ala). This variant is not present in population databases (gnomAD no frequency). This variant has not been reported in the literature in individuals affected with COL3A1-related conditions. Invitae Evidence Modeling of protein sequence and biophysical properties (such as structural, functional, and spatial information, amino acid conservation, physicochemical variation, residue mobility, and thermodynamic stability) indicates that this missense variant is not expected to disrupt COL3A1 protein function with a negative predictive value of 95%. In summary, the available evidence is currently insufficient to determine the role of this variant in disease. Therefore, it has been classified as a Variant of Uncertain Significance.

All of Us Research Program, National Institutes of Health
Classification: Uncertain significance for Ehlers-Danlos syndrome, type 4. Last evaluated: 2023-10-06. Review status: criteria provided, single submitter. Criteria: ACMG Guidelines, 2015. Collection method: clinical testing. Allele origin: germline. Inheritance: Autosomal dominant inheritance. Observed: 1 variant allele, 1 heterozygote.
Comment: This missense variant replaces proline with alanine at codon 314 of the COL3A1 protein. Computational prediction suggests that this variant may not impact protein structure and function (internally defined REVEL score threshold <= 0.5, PMID: 27666373). To our knowledge, functional studies have not been reported for this variant. This variant has not been reported in individuals affected with COL3A1-related disorders in the literature. This variant has not been identified in the general population by the Genome Aggregation Database (gnomAD). The available evidence is insufficient to determine the role of this variant in disease conclusively. Therefore, this variant is classified as a Variant of Uncertain Significance.

This study involves interpretation of variants in research participants for the purpose of population health screening. Participant phenotype was not available at the time of variant classification. Additional details can be found in publication PMID: 35346344, PMCID: PMC8962531